The following is an entry in ClinVar:

NM_016115.5(ASB3):c.885C>T (p.Cys295=)

Genes: ASB3 (ankyrin repeat and SOCS box containing 3; minus strand), GPR75-ASB3 (GPR75-ASB3 readthrough; minus strand). Cytogenetic location: 2p16.2.
Variant type: single nucleotide variant.
Coding change: c.885C>T on transcript NM_016115.5 (MANE Select); coding-DNA position 885, C replaced by T.
Protein change: p.Cys295=; no amino-acid change (cysteine 295 retained).
Molecular consequence: synonymous variant.
Genome position (GRCh38, 1-based): chr2:53,714,479, G>A on the plus strand (C>T on the coding strand, the complement: ASB3 is on the minus strand). VCF-style: chr2-53714479-G-A. GRCh37 (hg19) VCF-style: chr2-53941616-G-A.
Other names: c.999C>T, p.Cys333= (NM_001164165.2); c.666C>T, p.Cys222= (NM_001201965.2, NM_145863.3).
Identifiers: ClinVar variation 3389648 (VCV003389648.14).

ClinVar aggregate classification (germline): Likely benign (1 of 4 stars; one submission).

gnomAD v4.1: 1 of 1,614,234 alleles (0.000062%); highest among the groups gnomAD compares: Non-Finnish European, 0.000085%; no homozygotes.

Submission:

CeGaT Center for Human Genetics Tuebingen
Classification: Likely benign. Last evaluated: 2024-09-01. Review status: criteria provided, single submitter. Criteria: CeGaT Center For Human Genetics Tuebingen Variant Classification Criteria Version 2. Collection method: clinical testing. Allele origin: germline. Affected: yes. Observed: 1 variant allele.
Comment: ASB3: BP4, BP7; GPR75-ASB3: BP4, BP7